The following is an entry in ClinVar:

ClinVar aggregate classification (germline): Pathogenic. Review status: criteria provided, multiple submitters, no conflicts (2 of 4 stars). 7 submissions from 7 submitters: Pathogenic (7). Last evaluated 2025-12-04.

Conditions:
Ear malformation. Also called: CUP EAR; Abnormality of the ear. Identifiers: MedGen C0266589, MONDO:0007500, OMIM 128600, HP:0000598.
MYO7A-related disorder. Also called: MYO7A-related disorders.
Autosomal recessive nonsyndromic hearing loss 2. Also called: DEAFNESS, AUTOSOMAL RECESSIVE 2; NEUROSENSORY NONSYNDROMIC RECESSIVE DEAFNESS 2. Identifiers: Orphanet 90636, MedGen C1838701, MONDO:0010807, OMIM 600060.
Usher syndrome type 1 (USH1). Also called: RETINITIS PIGMENTOSA AND CONGENITAL DEAFNESS. Identifiers: Orphanet 231169, Orphanet 886, MedGen C1568247, MONDO:0010168, OMIM 276900.
Autosomal dominant nonsyndromic hearing loss 11. Identifiers: Orphanet 90635, MedGen C1832475, MONDO:0011032, OMIM 601317.
Usher syndrome type 1B (USH1B). Also called: Usher syndrome type IB. Identifiers: MedGen C1848638, MONDO:0700087.

gnomAD v4.1: 5 of 1,549,206 alleles (0.00032%); highest among the groups gnomAD compares: Non-Finnish European, 0.00044%; no homozygotes.

Submissions (7):

GeneDx
Classification: Pathogenic. Last evaluated: 2025-12-04. Review status: criteria provided, single submitter. Criteria: GeneDx Variant Classification Process June 2021. Collection method: clinical testing. Allele origin: germline. Affected: yes.
Comment: Nonsense variant predicted to result in protein truncation or nonsense mediated decay in a gene for which loss of function is a known mechanism of disease; Not observed at significant frequency in large population cohorts (gnomAD); This variant is associated with the following publications: (PMID: 25525159, 16963483, 27957503, 30358468, 34948090, 38374194, 31850270)

Labcorp Genetics (formerly Invitae), Labcorp
Classification: Pathogenic. Last evaluated: 2025-10-10. Review status: criteria provided, single submitter. Criteria: Invitae Variant Classification Sherloc (09022015). Collection method: clinical testing. Allele origin: germline.
Comment: This sequence change creates a premature translational stop signal (p.Arg1739*) in the MYO7A gene. It is expected to result in an absent or disrupted protein product. Loss-of-function variants in MYO7A are known to be pathogenic (PMID: 8900236, 25404053). This variant is not present in population databases (gnomAD no frequency). This premature translational stop signal has been observed in individual(s) with Usher syndrome (PMID: 16963483, 27957503). ClinVar contains an entry for this variant (Variation ID: 658273). For these reasons, this variant has been classified as Pathogenic.

Natera, Inc.
Classification: Pathogenic for Usher syndrome type 1B. Last evaluated: 2025-09-19. Review status: criteria provided, single submitter. Criteria: Natera Variant Classification Schema (03/2026). Collection method: clinical testing. Allele origin: germline.
Comment: The c.5215C>T variant in MYO7A is a nonsense variant predicted to introduce a stop codon at amino acid 1739. This variant is expected to result in nonsense mediated decay, truncation, or a dysfunctional protein product. This variant is rare in the general population with a frequency below the threshold expected for the associated phenotype(s). This variant has been observed in one or more individuals affected with the associated recessive disease, as either homozygous or compound heterozygous with a second variant (PMID: 27957503). Given the available evidence, this variant is classified as Pathogenic.

Dr.Nikuei Genetic Center
Classification: Pathogenic for Autosomal recessive nonsyndromic hearing loss 2. Last evaluated: 2024-07-10. Review status: criteria provided, single submitter. Criteria: ACMG Guidelines, 2015. Collection method: clinical testing. Allele origin: germline. Affected: yes.

Blueprint Genetics
Classification: Pathogenic for MYO7A-related disorders. Last evaluated: 2022-03-24. Review status: criteria provided, single submitter. Criteria: ACMG Guidelines, 2015. Collection method: clinical testing. Allele origin: germline. Affected: yes. Observed: 4 variant alleles.

Fulgent Genetics
Classification: Pathogenic for Usher syndrome type 1; Autosomal recessive nonsyndromic hearing loss 2; Autosomal dominant nonsyndromic hearing loss 11. Last evaluated: 2021-12-17. Review status: criteria provided, single submitter. Criteria: ACMG Guidelines, 2015. Collection method: clinical testing. Allele origin: unknown.

Kariminejad - Najmabadi Pathology & Genetics Center
Classification: Pathogenic for Ear malformation. Last evaluated: 2021-07-10. Review status: criteria provided, single submitter. Criteria: ACMG Guidelines, 2015. Collection method: clinical testing. Allele origin: germline. Affected: yes.

Literature cited by the submitters: PubMed 8900236 (cited by Labcorp Genetics (formerly Invitae), Labcorp); PubMed 25404053 (cited by Labcorp Genetics (formerly Invitae), Labcorp); PubMed 16963483 (cited by Labcorp Genetics (formerly Invitae), Labcorp); PubMed 27957503 (cited by Labcorp Genetics (formerly Invitae), Labcorp and Natera, Inc.).

NM_000260.4(MYO7A):c.5215C>T (p.Arg1739Ter)

Gene: MYO7A (myosin VIIA; plus strand). Cytogenetic location: 11q13.5.
Variant type: single nucleotide variant.
Coding change: c.5215C>T on transcript NM_000260.4 (MANE Select); coding-DNA position 5215, C replaced by T.
Protein change: p.Arg1739Ter; replaces arginine 1739 with a stop codon.
Molecular consequence: nonsense.
Genome position (GRCh38, 1-based): chr11:77,203,106, C>T. VCF-style: chr11-77203106-C-T. GRCh37 (hg19) VCF-style: chr11-76914151-C-T.
Other names: c.5101C>T, p.Arg1701Ter (NM_001127180.2); c.5068C>T, p.Arg1690Ter (NM_001369365.1); short protein forms R1690*, R1739*, R1701*.
Identifiers: ClinVar variation 658273 (VCV000658273.38), dbSNP rs111033477, ClinGen allele CA224852665.